The following is an entry in ClinVar:

NM_000719.7(CACNA1C):c.1954G>A (p.Ala652Thr)

Gene: CACNA1C (calcium voltage-gated channel subunit alpha1 C; plus strand). Cytogenetic location: 12p13.33.
Variant type: single nucleotide variant.
Coding change: c.1954G>A on transcript NM_000719.7 (MANE Select); coding-DNA position 1954, G replaced by A.
Protein change: p.Ala652Thr; replaces alanine 652 with threonine.
Molecular consequence: missense variant.
Genome position (GRCh38, 1-based): chr12:2,581,648, G>A. VCF-style: chr12-2581648-G-A. GRCh37 (hg19) VCF-style: chr12-2690814-G-A.
Other names: c.1954G>A, p.Ala652Thr (NM_001129827.2, NM_001129829.2, NM_001129830.3 and 18 more transcripts); c.1945G>A, p.Ala649Thr (NM_001129844.2); short protein forms A649T, A652T.
Identifiers: ClinVar variation 3369094 (VCV003369094.2).

ClinVar aggregate classification (germline): Uncertain significance (1 of 4 stars; one submission).

Submission:

GeneDx
Classification: Uncertain significance. Last evaluated: 2025-12-04. Review status: criteria provided, single submitter. Criteria: GeneDx Variant Classification Process June 2021. Collection method: clinical testing. Allele origin: germline.
Comment: Not observed at significant frequency in large population cohorts (gnomAD); In silico analysis supports that this missense variant has a deleterious effect on protein structure/function; Has not been previously published as pathogenic or benign to our knowledge